The following is an entry in ClinVar:

NM_004360.5(CDH1):c.76G>A (p.Glu26Lys)

Gene: CDH1 (cadherin 1; plus strand). Cytogenetic location: 16q22.1.
Variant type: single nucleotide variant.
Coding change: c.76G>A on transcript NM_004360.5 (MANE Select); coding-DNA position 76, G replaced by A.
Protein change: p.Glu26Lys; replaces glutamic acid 26 with lysine.
Molecular consequence: missense variant. On other transcripts: 5 prime UTR variant (2).
Genome position (GRCh38, 1-based): chr16:68,738,324, G>A. VCF-style: chr16-68738324-G-A. GRCh37 (hg19) VCF-style: chr16-68772227-G-A.
Other names: c.76G>A, p.Glu26Lys (NM_001317184.2); c.-1540G>A (NM_001317185.2); c.-1744G>A (NM_001317186.2); short protein forms E26K.
Identifiers: ClinVar variation 827207 (VCV000827207.16), dbSNP rs786201058, ClinGen allele CA396451761.

ClinVar aggregate classification (germline): Uncertain significance. Review status: criteria provided, multiple submitters, no conflicts (2 of 4 stars). 2 submissions from 2 submitters: Uncertain significance (2). Last evaluated 2024-09-14.

Conditions:
Hereditary diffuse gastric adenocarcinoma (HDGC). Also called: DIFFUSE GASTRIC AND LOBULAR BREAST CANCER SYNDROME. Identifiers: Orphanet 26106, MedGen C1708349, MONDO:0007648, OMIM 137215.
Hereditary cancer-predisposing syndrome. Also called: Neoplastic Syndromes, Hereditary; Hereditary Cancer Syndrome; Hereditary neoplastic syndrome; Tumor predisposition. Identifiers: Orphanet 140162, MedGen C0027672, MeSH D009386, MONDO:0015356.

gnomAD v4.1: 2 of 1,551,278 alleles (0.00013%); highest among the groups gnomAD compares: South Asian, 0.0012%; no homozygotes.

Submissions (2):

Labcorp Genetics (formerly Invitae), Labcorp
Classification: Uncertain significance for Hereditary diffuse gastric adenocarcinoma. Last evaluated: 2024-09-14. Review status: criteria provided, single submitter. Criteria: Invitae Variant Classification Sherloc (09022015). Collection method: clinical testing. Allele origin: germline.
Comment: This sequence change replaces glutamic acid, which is acidic and polar, with lysine, which is basic and polar, at codon 26 of the CDH1 protein (p.Glu26Lys). This variant is not present in population databases (gnomAD no frequency). This missense change has been observed in individual(s) with hereditary diffuse gastric cancer (PMID: 34537906). ClinVar contains an entry for this variant (Variation ID: 827207). An algorithm developed to predict the effect of missense changes on protein structure and function (PolyPhen-2) suggests that this variant is likely to be tolerated. In summary, the available evidence is currently insufficient to determine the role of this variant in disease. Therefore, it has been classified as a Variant of Uncertain Significance.

Ambry Genetics
Classification: Uncertain significance for Hereditary cancer-predisposing syndrome. Last evaluated: 2024-03-19. Review status: criteria provided, single submitter. Criteria: Ambry Variant Classification Scheme 2023. Collection method: clinical testing. Allele origin: germline.
Comment: The p.E26K variant (also known as c.76G>A), located in coding exon 2 of the CDH1 gene, results from a G to A substitution at nucleotide position 76. The glutamic acid at codon 26 is replaced by lysine, an amino acid with similar properties. This amino acid position is highly conserved in available vertebrate species. In addition, this alteration is predicted to be tolerated by in silico analysis. Based on the available evidence, the clinical significance of this alteration remains unclear.

Literature cited by the submitters: PubMed 34537906 (cited by Labcorp Genetics (formerly Invitae), Labcorp and Ambry Genetics).